The following is an entry in ClinVar:

ClinVar aggregate classification (germline): Uncertain significance (1 of 4 stars; one submission).

Conditions:
Early-infantile DEE. Also called: Ohtahara syndrome; Early infantile epileptic encephalopathy with suppression bursts; Early infantile epileptic encephalopathy. Identifiers: Orphanet 1934, MedGen C0393706, MONDO:0800491.

Submission:

Labcorp Genetics (formerly Invitae), Labcorp
Classification: Uncertain significance for Early-infantile DEE. Last evaluated: 2020-09-16. Review status: criteria provided, single submitter. Criteria: Invitae Variant Classification Sherloc (09022015). Collection method: clinical testing. Allele origin: germline.
Comment: In summary, the available evidence is currently insufficient to determine the role of this variant in disease. Therefore, it has been classified as a Variant of Uncertain Significance. Advanced modeling of protein sequence and biophysical properties (such as structural, functional, and spatial information, amino acid conservation, physicochemical variation, residue mobility, and thermodynamic stability) performed at Invitae indicates that this missense variant is expected to disrupt KCNQ2 protein function. This variant has not been reported in the literature in individuals with KCNQ2-related conditions. The frequency data for this variant in the population databases is considered unreliable, as metrics indicate insufficient coverage at this position in the ExAC database. This sequence change replaces proline with glutamine at codon 88 of the KCNQ2 protein (p.Pro88Gln). The proline residue is moderately conserved and there is a moderate physicochemical difference between proline and glutamine.

NM_172107.4(KCNQ2):c.263C>A (p.Pro88Gln)

Gene: KCNQ2 (potassium voltage-gated channel subfamily Q member 2; minus strand). Cytogenetic location: 20q13.33.
Variant type: single nucleotide variant.
Coding change: c.263C>A on transcript NM_172107.4 (MANE Select); coding-DNA position 263, C replaced by A.
Protein change: p.Pro88Gln; replaces proline 88 with glutamine.
Molecular consequence: missense variant.
Genome position (GRCh38, 1-based): chr20:63,472,201, G>T on the plus strand (C>A on the coding strand, the complement: KCNQ2 is on the minus strand). VCF-style: chr20-63472201-G-T. GRCh37 (hg19) VCF-style: chr20-62103554-G-T.
Other names: c.263C>A, p.Pro88Gln (NM_001382235.1, NM_004518.6, NM_172106.3 and 2 more transcripts); short protein forms P88Q.
Identifiers: ClinVar variation 1058247 (VCV001058247.10), dbSNP rs2145921050, ClinGen allele CA409635041.